The following is an entry in ClinVar:

NM_000283.4(PDE6B):c.1540C>G (p.Leu514Val)

Gene: PDE6B (phosphodiesterase 6B; plus strand). Cytogenetic location: 4p16.3.
Variant type: single nucleotide variant.
Coding change: c.1540C>G on transcript NM_000283.4 (MANE Select); coding-DNA position 1540, C replaced by G.
Protein change: p.Leu514Val; replaces leucine 514 with valine.
Molecular consequence: missense variant.
Genome position (GRCh38, 1-based): chr4:660,539, C>G. VCF-style: chr4-660539-C-G. GRCh37 (hg19) VCF-style: chr4-654328-C-G.
Other names: c.1540C>G (NM_000283.3); c.1540C>G, p.Leu514Val (NM_001145291.2); c.703C>G, p.Leu235Val (NM_001145292.2, NM_001350154.3, NM_001379246.1 and 1 more transcripts); c.385C>G, p.Leu129Val (NM_001350155.3); short protein forms L514V, L129V, L235V.
Identifiers: ClinVar variation 1036815 (VCV001036815.8), dbSNP rs780830241, ClinGen allele CA2794571.

ClinVar aggregate classification (germline): Uncertain significance. Review status: criteria provided, multiple submitters, no conflicts (2 of 4 stars). 3 submissions from 3 submitters: Uncertain significance (3). Last evaluated 2025-06-22.

Conditions:
Inborn genetic diseases. Identifiers: MedGen C0950123, MeSH D030342.

gnomAD v4.1: 8 of 1,613,566 alleles (0.0005%); highest among the groups gnomAD compares: Admixed American, 0.012%; no homozygotes.

Submissions (3):

Ambry Genetics
Classification: Uncertain significance for Inborn genetic diseases. Last evaluated: 2025-06-22. Review status: criteria provided, single submitter. Criteria: Ambry Variant Classification Scheme 2023. Collection method: clinical testing. Allele origin: germline.

Revvity Omics, Revvity
Classification: Uncertain significance. Last evaluated: 2024-03-11. Review status: criteria provided, single submitter. Criteria: ACMG Guidelines, 2015. Collection method: clinical testing. Allele origin: germline.

Labcorp Genetics (formerly Invitae), Labcorp
Classification: Uncertain significance. Last evaluated: 2022-11-22. Review status: criteria provided, single submitter. Criteria: Invitae Variant Classification Sherloc (09022015). Collection method: clinical testing. Allele origin: germline.
Comment: In summary, the available evidence is currently insufficient to determine the role of this variant in disease. Therefore, it has been classified as a Variant of Uncertain Significance. Advanced modeling of protein sequence and biophysical properties (such as structural, functional, and spatial information, amino acid conservation, physicochemical variation, residue mobility, and thermodynamic stability) performed at Invitae indicates that this missense variant is not expected to disrupt PDE6B protein function. ClinVar contains an entry for this variant (Variation ID: 1036815). This variant has not been reported in the literature in individuals affected with PDE6B-related conditions. This variant is present in population databases (rs780830241, gnomAD 0.003%). This sequence change replaces leucine, which is neutral and non-polar, with valine, which is neutral and non-polar, at codon 514 of the PDE6B protein (p.Leu514Val).